The following is an entry in ClinVar:

ClinVar aggregate classification (germline): Uncertain significance (1 of 4 stars; one submission).

Conditions:
RYR1-related disorder. Also called: RYR1-related condition; RYR1-related disorders. Identifiers: MedGen CN239331.

Allele frequency attached by ClinVar (database versions not stated): gnomAD exomes below 0.00001; TOPMed below 0.00001.
gnomAD v4.1: 1 of 1,574,730 alleles (0.000064%); highest among the groups gnomAD compares: Admixed American, 0.0019%; no homozygotes.

Submission:

Labcorp Genetics (formerly Invitae), Labcorp
Classification: Uncertain significance for RYR1-related disorder. Last evaluated: 2023-09-05. Review status: criteria provided, single submitter. Criteria: Invitae Variant Classification Sherloc (09022015). Collection method: clinical testing. Allele origin: germline.
Comment: This sequence change replaces asparagine, which is neutral and polar, with serine, which is neutral and polar, at codon 1609 of the RYR1 protein (p.Asn1609Ser). This variant is present in population databases (no rsID available, gnomAD 0.004%). This variant has not been reported in the literature in individuals affected with RYR1-related conditions. Advanced modeling of protein sequence and biophysical properties (such as structural, functional, and spatial information, amino acid conservation, physicochemical variation, residue mobility, and thermodynamic stability) has been performed at Invitae for this missense variant, however the output from this modeling did not meet the statistical confidence thresholds required to predict the impact of this variant on RYR1 protein function. In summary, the available evidence is currently insufficient to determine the role of this variant in disease. Therefore, it has been classified as a Variant of Uncertain Significance.

NM_000540.3(RYR1):c.4826A>G (p.Asn1609Ser)

Gene: RYR1 (ryanodine receptor 1; plus strand). Cytogenetic location: 19q13.2.
Variant type: single nucleotide variant.
Coding change: c.4826A>G on transcript NM_000540.3 (MANE Select); coding-DNA position 4826, A replaced by G.
Protein change: p.Asn1609Ser; replaces asparagine 1609 with serine.
Molecular consequence: missense variant.
Genome position (GRCh38, 1-based): chr19:38,483,408, A>G. VCF-style: chr19-38483408-A-G. GRCh37 (hg19) VCF-style: chr19-38974048-A-G.
Other names: c.4826A>G, p.Asn1609Ser (NM_001042723.2); short protein forms N1609S.
Identifiers: ClinVar variation 3014783 (VCV003014783.3), dbSNP rs1386628125, ClinGen allele CA405650569.